The following is an entry in ClinVar:

ClinVar aggregate classification (germline): Uncertain significance (1 of 4 stars; one submission).

Conditions:
Autosomal recessive limb-girdle muscular dystrophy type 2J (LGMDR10). Also called: Limb-girdle muscular dystrophy, type 2J; MUSCULAR DYSTROPHY, LIMB-GIRDLE, AUTOSOMAL RECESSIVE 10. Identifiers: Orphanet 140922, MedGen C1837342, MONDO:0012127, OMIM 608807.
Dilated cardiomyopathy 1G (CMD1G). Identifiers: Orphanet 154, MedGen C1858763, MONDO:0011400, OMIM 604145.

Submission:

Labcorp Genetics (formerly Invitae), Labcorp
Classification: Uncertain significance for Dilated cardiomyopathy 1G; Autosomal recessive limb-girdle muscular dystrophy type 2J. Last evaluated: 2024-04-05. Review status: criteria provided, single submitter. Criteria: Invitae Variant Classification Sherloc (09022015). Collection method: clinical testing. Allele origin: germline.
Comment: This sequence change replaces glycine, which is neutral and non-polar, with aspartic acid, which is acidic and polar, at codon 34147 of the TTN protein (p.Gly34147Asp). This variant is not present in population databases (gnomAD no frequency). This variant has not been reported in the literature in individuals affected with TTN-related conditions. Experimental studies and prediction algorithms are not available or were not evaluated, and the functional significance of this variant is currently unknown. This variant is located in the M band of TTN (PMID: 25589632). Non-truncating variants in this region may be relevant for neuromuscular disorders, but have not been definitively shown to cause cardiomyopathy (PMID: 23975875). In summary, the available evidence is currently insufficient to determine the role of this variant in disease. Therefore, it has been classified as a Variant of Uncertain Significance.

Literature cited by the submitters: PubMed 25589632; PubMed 23975875.

NM_001267550.2(TTN):c.102440G>A (p.Gly34147Asp)

Genes: TTN (titin; minus strand), TTN-AS1 (TTN antisense RNA 1; plus strand). Cytogenetic location: 2q31.2.
Variant type: single nucleotide variant.
Coding change: c.102440G>A on transcript NM_001267550.2 (MANE Select); coding-DNA position 102440, G replaced by A.
Protein change: p.Gly34147Asp; replaces glycine 34147 with aspartic acid.
Molecular consequence: missense variant.
Genome position (GRCh38, 1-based): chr2:178,534,175, C>T on the plus strand (G>A on the coding strand, the complement: TTN is on the minus strand). VCF-style: chr2-178534175-C-T. GRCh37 (hg19) VCF-style: chr2-179398902-C-T.
Other names: c.97517G>A, p.Gly32506Asp (NM_001256850.1); c.75245G>A, p.Gly25082Asp (NM_003319.4); c.94736G>A, p.Gly31579Asp (NM_133378.4); c.75620G>A, p.Gly25207Asp (NM_133432.3); c.75821G>A, p.Gly25274Asp (NM_133437.4); short protein forms G25082D, G25207D, G25274D, G31579D, G32506D, G34147D.
Identifiers: ClinVar variation 3763445 (VCV003763445.2).
Genomic context (GRCh38, chr2:178,534,175, plus strand): 5'-TGGGTAGACTGATCATAATTTTCAATTTTGCATACATATTTGACATGTCCTCCTTCTTCA[C>T]CAACTGCATGCATTATCTGCCCAGAAACTGGGCCAATTTCAATGGATGCCACTTTAACTT-3'
Protein context (NP_001254479.2, residues 34137-34157): PVSGQIMHAV[Gly34147Asp]EEGGHVKYVC